The following is an entry in ClinVar:

NM_004415.4(DSP):c.3551G>A (p.Arg1184Gln)

Gene: DSP (desmoplakin; plus strand). Cytogenetic location: 6p24.3.
Variant type: single nucleotide variant.
Coding change: c.3551G>A on transcript NM_004415.4 (MANE Select); coding-DNA position 3551, G replaced by A.
Protein change: p.Arg1184Gln; replaces arginine 1184 with glutamine.
Molecular consequence: missense variant.
Genome position (GRCh38, 1-based): chr6:7,579,741, G>A. VCF-style: chr6-7579741-G-A. GRCh37 (hg19) VCF-style: chr6-7579974-G-A.
Other names: c.3551G>A (LRG_423t1); c.3551G>A, p.Arg1184Gln (NM_001008844.3, NM_001319034.2); short protein forms R1184Q.
Identifiers: ClinVar variation 265810 (VCV000265810.18), dbSNP rs147909031, ClinGen allele CA038386.
Genomic context (GRCh38, chr6:7,579,741, plus strand): 5'-TCAAGGAGAAGGAGTACGAGATTGAAAGGTTGAGGGTTCTACTGCAGGAAGAAGGCACCC[G>A]GAAGAGAGAATATGAAAATGAGCTGGCAAAGGTAAGAAACCACTATAATGAGGAGATGAG-3'
Protein context (NP_004406.2, residues 1174-1194): LRVLLQEEGT[Arg1184Gln]KREYENELAK

ClinVar aggregate classification (germline): Conflicting classifications of pathogenicity. Review status: criteria provided, conflicting classifications (1 of 4 stars). 7 submissions from 7 submitters: Uncertain significance (4); Likely benign (2). 1 of the submissions does not count toward it. Last evaluated 2026-01-12.

Conditions:
Keratosis palmoplantaris striata 2. Also called: KERATODERMA, PALMOPLANTAR, STRIATE FORM II; STRIATE PALMOPLANTAR KERATODERMA II; Keratosis palmoplantaris striata II. Identifiers: MedGen C1852127, MONDO:0013034, OMIM 612908.
Cardiomyopathy, dilated, with wooly hair, keratoderma, and tooth agenesis. Also called: Cardiomyopathy, dilated, with woolly hair, keratoderma, and tooth agenesis; Erythrokeratodermia-cardiomyopathy syndrome. Identifiers: Orphanet 476096, Orphanet 65282, MedGen C4014393, MONDO:0014355, OMIM 615821.
Arrhythmogenic right ventricular dysplasia 8 (ARVD8). Also called: Arrhythmogenic Right Ventricular Dysplasia/Cardiomyopathy 8; ARRHYTHMOGENIC RIGHT VENTRICULAR DYSPLASIA, FAMILIAL, 8; ARRHYTHMOGENIC RIGHT VENTRICULAR CARDIOMYOPATHY 8. Identifiers: MedGen C1843896, MONDO:0011831, OMIM 607450.
Arrhythmogenic cardiomyopathy with wooly hair and keratoderma. Also called: PALMOPLANTAR KERATODERMA WITH LEFT VENTRICULAR CARDIOMYOPATHY AND WOOLLY HAIR; Dilated cardiomyopathy with woolly hair and keratoderma; Arrhythmogenic cardiomyopathy with woolly hair and keratoderma; Carvajal syndrome. Identifiers: Orphanet 65282, MedGen C1854063, MONDO:0011581, OMIM 605676.
Lethal acantholytic epidermolysis bullosa (EBLA). Identifiers: Orphanet 158687, MedGen C1864826, MONDO:0012323, OMIM 609638.
Woolly hair-skin fragility syndrome (WHSF). Identifiers: Orphanet 293165, MedGen C1843292, MONDO:0957307, OMIM 620415.
Cardiomyopathy (CMYO). Also called: Cardiomyopathies. Identifiers: Orphanet 167848, MedGen C0878544, MONDO:0004994, HP:0001638. Inheritance: Various modes of inheritance.
Dilated cardiomyopathy 1S (CMD1S). Identifiers: Orphanet 154, Orphanet 54260, MedGen C1834481, MONDO:0013262, OMIM 613426.
Cardiovascular phenotype. Identifiers: MedGen CN230736.

Allele frequency attached by ClinVar (database versions not stated): gnomAD exomes 0.00002 and 0.00003; TOPMed 0.00002; ExAC 0.00006; ESP Exome Variant Server 0.00008.
gnomAD v4.1: 32 of 1,613,582 alleles (0.002%); highest among the groups gnomAD compares: East Asian, 0.0067%; no homozygotes.

Submissions (7):

Women's Health and Genetics/Laboratory Corporation of America, LabCorp
Classification: Likely benign. Last evaluated: 2026-01-12. Review status: criteria provided, single submitter. Criteria: LabCorp Variant Classification Summary - May 2015. Collection method: clinical testing. Allele origin: germline.
Comment: Variant summary: DSP c.3551G>A (p.Arg1184Gln) results in a conservative amino acid change in the encoded protein sequence. Algorithms developed to predict the effect of missense changes on protein structure and function are either unavailable or do not agree on the potential impact of this missense change. The variant allele was found at a frequency of 2e-05 in 1613582 control chromosomes, predominantly at a frequency of 2.1e-05 within the Non-Finnish European subpopulation in the gnomAD database. c.3551G>A has been observed in individual(s) affected with Cardiomyopathy (Klauke_2017). These report(s) do not provide unequivocal conclusions about association of the variant with Cardiomyopathy. To our knowledge, no experimental evidence demonstrating an impact on protein function has been reported. ClinVar contains an entry for this variant (Variation ID: 265810). Based on the evidence outlined above, the variant was classified as likely benign.

Labcorp Genetics (formerly Invitae), Labcorp
Classification: Likely benign for Arrhythmogenic cardiomyopathy with wooly hair and keratoderma; Arrhythmogenic right ventricular dysplasia 8. Last evaluated: 2025-12-24. Review status: criteria provided, single submitter. Criteria: Invitae Variant Classification Sherloc (09022015). Collection method: clinical testing. Allele origin: germline.

Ambry Genetics
Classification: Uncertain significance for Cardiovascular phenotype. Last evaluated: 2025-04-03. Review status: criteria provided, single submitter. Criteria: Ambry Variant Classification Scheme 2023. Collection method: clinical testing. Allele origin: germline.

Color Diagnostics, LLC DBA Color Health
Classification: Uncertain significance for Cardiomyopathy. Last evaluated: 2024-04-16. Review status: criteria provided, single submitter. Criteria: ACMG Guidelines, 2015. Collection method: clinical testing. Allele origin: germline.
Comment: This missense variant replaces arginine with glutamine at codon 1184 of the DSP protein. Computational prediction suggests that this variant may not impact protein structure and function. To our knowledge, functional studies have not been reported for this variant. This variant has been reported in two individuals affected with dilated cardiomyopathy (PMID: 29253866, 32826072). This variant has been identified in 8/250190 chromosomes in the general population by the Genome Aggregation Database (gnomAD). The available evidence is insufficient to determine the role of this variant in disease conclusively. Therefore, this variant is classified as a Variant of Uncertain Significance.

Fulgent Genetics
Classification: Uncertain significance for Arrhythmogenic cardiomyopathy with wooly hair and keratoderma; Arrhythmogenic right ventricular dysplasia 8; Lethal acantholytic epidermolysis bullosa; Keratosis palmoplantaris striata 2; Cardiomyopathy, dilated, with wooly hair, keratoderma, and tooth agenesis. Last evaluated: 2021-11-17. Review status: criteria provided, single submitter. Criteria: ACMG Guidelines, 2015. Collection method: clinical testing. Allele origin: unknown.

CHEO Genetics Diagnostic Laboratory, Children's Hospital of Eastern Ontario
Classification: Uncertain significance for Cardiomyopathy. Last evaluated: 2016-06-08. Review status: criteria provided, single submitter. Criteria: ACMG Guidelines, 2015. Collection method: clinical testing. Allele origin: germline. Study: Canadian Open Genetics Repository.

Institut für Laboratoriums- und Transfusionsmedizin, Herz- und Diabeteszentrum Nordrhein-Westfalen
Classification: Likely benign for Dilated cardiomyopathy 1S. Last evaluated: 2016-05-01. Review status: no assertion criteria provided. Collection method: clinical testing. Allele origin: germline. Affected: yes. Observed: 1 variant allele. Not counted in ClinVar's aggregate classification.

Literature cited by the submitters: PubMed 29253866 (cited by Women's Health and Genetics/Laboratory Corporation of America, LabCorp and Color Diagnostics, LLC DBA Color Health); PubMed 32826072 (cited by Color Diagnostics, LLC DBA Color Health).